The following is an entry in ClinVar:

NM_020975.6(RET):c.2097C>T (p.Ser699=)

Gene: RET (ret proto-oncogene; plus strand). Cytogenetic location: 10q11.21.
Variant type: single nucleotide variant.
Coding change: c.2097C>T on transcript NM_020975.6 (MANE Select); coding-DNA position 2097, C replaced by T.
Protein change: p.Ser699=; no amino-acid change (serine 699 retained).
Molecular consequence: synonymous variant.
Genome position (GRCh38, 1-based): chr10:43,114,697, C>T. VCF-style: chr10-43114697-C-T. GRCh37 (hg19) VCF-style: chr10-43610145-C-T.
Other names: c.2097C>T, p.Ser699= (NM_000323.2, NM_001406743.1, NM_001406744.1 and 4 more transcripts); c.1335C>T, p.Ser445= (NM_001355216.2); c.1968C>T, p.Ser656= (NM_001406761.1, NM_001406762.1, NM_001406764.1); c.1962C>T, p.Ser654= (NM_001406763.1, NM_001406765.1); c.1809C>T, p.Ser603= (NM_001406766.1, NM_001406767.1, NM_001406770.1); c.1833C>T, p.Ser611= (NM_001406768.1); c.1701C>T, p.Ser567= (NM_001406769.1, NM_001406772.1); c.1659C>T, p.Ser553= (NM_001406771.1, NM_001406773.1); and 10 more.
Identifiers: ClinVar variation 3387602 (VCV003387602.1), dbSNP rs1554818954.
Genomic context (GRCh38, chr10:43,114,697, plus strand): 5'-CGCCCAGGCCTTCCCGGTCAGCTACTCCTCTTCCGGTGCCCGCCGGCCCTCGCTGGACTC[C>T]ATGGAGAACCAGGTCTCCGTGGATGCCTTCAAGATCCTGGTGAGGGTCCCTGCGGGGCAG-3'
Protein context (NP_066124.1, residues 689-709): SSGARRPSLD[Ser699=]MENQVSVDAF

ClinVar aggregate classification (germline): Likely benign (1 of 4 stars; one submission).

Conditions:
Multiple endocrine neoplasia, type 2 (MEN2). Identifiers: Orphanet 653, MedGen C4048306, MONDO:0019003. Disease mechanism: gain of function.

Submission:

All of Us Research Program, National Institutes of Health
Classification: Likely benign for Multiple endocrine neoplasia, type 2. Last evaluated: 2024-05-30. Review status: criteria provided, single submitter. Criteria: ACMG Guidelines, 2015. Collection method: clinical testing. Allele origin: germline. Inheritance: Autosomal dominant inheritance. Observed: 1 variant allele, 1 heterozygote.
Comment: This study involves interpretation of variants in research participants for the purpose of population health screening. Participant phenotype was not available at the time of variant classification. Additional details can be found in publication PMID: 35346344, PMCID: PMC8962531